The following is an entry in ClinVar:

NM_033087.4(ALG2):c.921_922del (p.Lys308fs)

Gene: ALG2 (ALG2 alpha-1,3/1,6-mannosyltransferase; minus strand). Cytogenetic location: 9q22.33.
Variant type: Deletion.
Coding change: c.921_922del on transcript NM_033087.4 (MANE Select); coding-DNA positions 921 to 922, 2 bases deleted (GA; older notation c.921_922delGA).
Protein change: p.Lys308fs; shifts the reading frame from lysine 308.
Molecular consequence: frameshift variant. On other transcripts: non-coding transcript variant (1).
Genome position (GRCh38, 1-based): chr9:99,218,263-99,218,264, TC deleted on the plus strand (GA on the coding strand, the reverse complement: ALG2 is on the minus strand); deleting any 2 consecutive bases within chr9:99,218,263-99,218,265 gives the same sequence; the c. name uses the placement nearest the transcript's 3' end. VCF-style (leftmost placement, unchanged base first): chr9-99218262-TTC-T. GRCh37 (hg19) VCF-style: chr9-101980544-TTC-T.
Other names: short protein forms K308fs.
Identifiers: ClinVar variation 1969460 (VCV001969460.5), dbSNP rs1828730007, ClinGen allele CA1127285808.
Genomic context (GRCh38, chr9:99,218,262, plus strand): 5'-CCAAAGTGCTCATTGCTTGGTGTGTAAAGCACACACGTGCAGCTGTGGAGGAGGGAGATT[TTC>T]TGTTTGTCTGAGAAAGACCTCAAGAAGGTCACATACTGGCCAAGGTCGGACTGTTGGACC-3'

ClinVar aggregate classification (germline): Uncertain significance (1 of 4 stars; one submission).

Conditions:
Congenital disorder of glycosylation, type Ii. Also called: CDG Ii; ALG2-CDG; ALG2-congenital disorder of glycosylation. Identifiers: Orphanet 79326, MedGen C1842836, MONDO:0011933, OMIM 607906.
Congenital myasthenic syndrome 14. Also called: Myasthenic syndrome, congenital, 14, with tubular aggregates. Identifiers: Orphanet 353327, Orphanet 590, MedGen C4015597, MONDO:0014543, OMIM 616228.

Submission:

Labcorp Genetics (formerly Invitae), Labcorp
Classification: Uncertain significance for Congenital disorder of glycosylation, type Ii; Congenital myasthenic syndrome 14. Last evaluated: 2022-04-17. Review status: criteria provided, single submitter. Criteria: Invitae Variant Classification Sherloc (09022015). Collection method: clinical testing. Allele origin: germline.
Comment: This variant has not been reported in the literature in individuals affected with ALG2-related conditions. This variant is not present in population databases (gnomAD no frequency). This sequence change creates a premature translational stop signal (p.Lys308Asnfs*17) in the ALG2 gene. While this is not anticipated to result in nonsense mediated decay, it is expected to disrupt the last 109 amino acid(s) of the ALG2 protein. Experimental studies and prediction algorithms are not available or were not evaluated, and the functional significance of this variant is currently unknown. In summary, the available evidence is currently insufficient to determine the role of this variant in disease. Therefore, it has been classified as a Variant of Uncertain Significance.